The following is an entry in ClinVar:

NM_002558.4(P2RX1):c.612C>G (p.Asn204Lys)

Gene: P2RX1 (purinergic receptor P2X 1; minus strand). Cytogenetic location: 17p13.2.
Variant type: single nucleotide variant.
Coding change: c.612C>G on transcript NM_002558.4 (MANE Select); coding-DNA position 612, C replaced by G.
Protein change: p.Asn204Lys; replaces asparagine 204 with lysine.
Molecular consequence: missense variant.
Genome position (GRCh38, 1-based): chr17:3,903,337, G>C on the plus strand (C>G on the coding strand, the complement: P2RX1 is on the minus strand). VCF-style: chr17-3903337-G-C. GRCh37 (hg19) VCF-style: chr17-3806631-G-C.
Other names: short protein forms N204K.
Identifiers: ClinVar variation 4987264 (VCV004987264.1).
Genomic context (GRCh38, chr17:3,903,337, plus strand): 5'-GTGCAGGGTCTTGTGAAAGAGGCAGGTCTTCATGTGGGCAGCATTCACCTCCTCCACCAG[G>C]TTGCGCCTGTGGGGGTGGAAGGTGTTGACAGCTGCTGTGTGTCATCCGGGAGGGTGCCCA-3'
Protein context (NP_002549.1, residues 194-214): SFPRFKVNRR[Asn204Lys]LVEEVNAAHM

ClinVar aggregate classification (germline): Uncertain significance (1 of 4 stars; one submission).

Conditions:
P2RX1-related disorder. Also called: P2RX1-related condition.

Submission:

PreventionGenetics, part of Exact Sciences
Classification: Uncertain significance for P2RX1-related condition. Last evaluated: 2024-12-24. Review status: criteria provided, single submitter. Criteria: ACMG Guidelines, 2015. Collection method: clinical testing. Allele origin: germline.
Comment: The P2RX1 c.612C>G variant is predicted to result in the amino acid substitution p.Asn204Lys. To our knowledge, this variant has not been reported in the literature. This variant is reported in 0.0033% of alleles in individuals of South Asian descent in gnomAD. At this time, the clinical significance of this variant is uncertain due to the absence of conclusive functional and genetic evidence.